The following is an entry in ClinVar:

NM_006231.4(POLE):c.3892G>A (p.Ala1298Thr)

Gene: POLE (DNA polymerase epsilon, catalytic subunit; minus strand). Cytogenetic location: 12q24.33.
Variant type: single nucleotide variant.
Coding change: c.3892G>A on transcript NM_006231.4 (MANE Select); coding-DNA position 3892, G replaced by A.
Protein change: p.Ala1298Thr; replaces alanine 1298 with threonine.
Molecular consequence: missense variant.
Genome position (GRCh38, 1-based): chr12:132,649,419, C>T on the plus strand (G>A on the coding strand, the complement: POLE is on the minus strand). VCF-style: chr12-132649419-C-T. GRCh37 (hg19) VCF-style: chr12-133226005-C-T.
Other names: short protein forms A1298T.
Identifiers: ClinVar variation 652018 (VCV000652018.12), dbSNP rs1593749930, ClinGen allele CA387385234.

ClinVar aggregate classification (germline): Uncertain significance. Review status: criteria provided, multiple submitters, no conflicts (2 of 4 stars). 2 submissions from 2 submitters: Uncertain significance (2). Last evaluated 2025-09-01.

Conditions:
Hereditary cancer-predisposing syndrome. Also called: Neoplastic Syndromes, Hereditary; Tumor predisposition; Hereditary Cancer Syndrome; Hereditary neoplastic syndrome. Identifiers: Orphanet 140162, MedGen C0027672, MeSH D009386, MONDO:0015356.

Submissions (2):

Ambry Genetics
Classification: Uncertain significance for Hereditary cancer-predisposing syndrome. Last evaluated: 2025-09-01. Review status: criteria provided, single submitter. Criteria: Ambry Variant Classification Scheme 2023. Collection method: clinical testing. Allele origin: germline.

Labcorp Genetics (formerly Invitae), Labcorp
Classification: Uncertain significance. Last evaluated: 2025-02-09. Review status: criteria provided, single submitter. Criteria: Invitae Variant Classification Sherloc (09022015). Collection method: clinical testing. Allele origin: germline.
Comment: This sequence change replaces alanine, which is neutral and non-polar, with threonine, which is neutral and polar, at codon 1298 of the POLE protein (p.Ala1298Thr). This variant is not present in population databases (gnomAD no frequency). This variant has not been reported in the literature in individuals affected with POLE-related conditions. ClinVar contains an entry for this variant (Variation ID: 652018). An algorithm developed to predict the effect of missense changes on protein structure and function outputs the following: PolyPhen-2: "Benign". The threonine amino acid residue is found in multiple mammalian species, which suggests that this missense change does not adversely affect protein function. In summary, the available evidence is currently insufficient to determine the role of this variant in disease. Therefore, it has been classified as a Variant of Uncertain Significance.